The following is an entry in ClinVar:

NM_014425.5(INVS):c.2647C>A (p.Pro883Thr)

Gene: INVS (inversin; plus strand). Cytogenetic location: 9q31.1.
Variant type: single nucleotide variant.
Coding change: c.2647C>A on transcript NM_014425.5 (MANE Select); coding-DNA position 2647, C replaced by A.
Protein change: p.Pro883Thr; replaces proline 883 with threonine.
Molecular consequence: missense variant. On other transcripts: non-coding transcript variant (1).
Genome position (GRCh38, 1-based): chr9:100,292,904, C>A. VCF-style: chr9-100292904-C-A. GRCh37 (hg19) VCF-style: chr9-103055186-C-A.
Other names: c.2359C>A, p.Pro787Thr (NM_001318381.2); c.1669C>A, p.Pro557Thr (NM_001318382.2); short protein forms P557T, P787T, P883T.
Identifiers: ClinVar variation 953779 (VCV000953779.9), dbSNP rs1833670830, ClinGen allele CA374244202.

ClinVar aggregate classification (germline): Uncertain significance (1 of 4 stars; one submission).

Conditions:
Nephronophthisis. Also called: Juvenile Nephronophthisis. Identifiers: Orphanet 655, MedGen C0687120, MONDO:0019005, HP:0000090.

Submission:

Labcorp Genetics (formerly Invitae), Labcorp
Classification: Uncertain significance for Nephronophthisis. Last evaluated: 2024-09-23. Review status: criteria provided, single submitter. Criteria: Invitae Variant Classification Sherloc (09022015). Collection method: clinical testing. Allele origin: germline.
Comment: This sequence change replaces proline, which is neutral and non-polar, with threonine, which is neutral and polar, at codon 883 of the INVS protein (p.Pro883Thr). This variant is not present in population databases (gnomAD no frequency). This variant has not been reported in the literature in individuals affected with INVS-related conditions. ClinVar contains an entry for this variant (Variation ID: 953779). An algorithm developed to predict the effect of missense changes on protein structure and function (PolyPhen-2) suggests that this variant is likely to be tolerated. In summary, the available evidence is currently insufficient to determine the role of this variant in disease. Therefore, it has been classified as a Variant of Uncertain Significance.